The following is an entry in ClinVar:

ClinVar aggregate classification (germline): Uncertain significance (1 of 4 stars; one submission).

Conditions:
Hereditary cancer-predisposing syndrome. Also called: Neoplastic Syndromes, Hereditary; Tumor predisposition; Hereditary Cancer Syndrome; Hereditary neoplastic syndrome. Identifiers: Orphanet 140162, MedGen C0027672, MeSH D009386, MONDO:0015356.

Submission:

Ambry Genetics
Classification: Uncertain significance for Hereditary cancer-predisposing syndrome. Last evaluated: 2025-11-23. Review status: criteria provided, single submitter. Criteria: Ambry Variant Classification Scheme 2023. Collection method: clinical testing. Allele origin: germline.
Comment: The p.S62F variant (also known as c.185C>T), located in coding exon 4 of the SDHC gene, results from a C to T substitution at nucleotide position 185. The serine at codon 62 is replaced by phenylalanine, an amino acid with highly dissimilar properties. This amino acid position is well conserved in available vertebrate species. In addition, the in silico prediction for this alteration is inconclusive. Since supporting evidence is limited at this time, the clinical significance of this alteration remains unclear.

NM_003001.5(SDHC):c.185C>T (p.Ser62Phe)

Gene: SDHC (succinate dehydrogenase complex subunit C; plus strand). Cytogenetic location: 1q23.3.
Variant type: single nucleotide variant.
Coding change: c.185C>T on transcript NM_003001.5 (MANE Select); coding-DNA position 185, C replaced by T.
Protein change: p.Ser62Phe; replaces serine 62 with phenylalanine.
Molecular consequence: missense variant.
Genome position (GRCh38, 1-based): chr1:161,340,599, C>T. VCF-style: chr1-161340599-C-T. GRCh37 (hg19) VCF-style: chr1-161310389-C-T.
Other names: c.185C>T, p.Ser62Phe (NM_001035511.3); c.83C>T, p.Ser28Phe (NM_001035512.3, NM_001278172.3, NM_001407118.1); c.26C>T, p.Ser9Phe (NM_001035513.3); c.305C>T, p.Ser102Phe (NM_001407115.1); c.128C>T, p.Ser43Phe (NM_001407116.1, NM_001407117.1, NM_001407121.1); c.74C>T, p.Ser25Phe (NM_001407119.1, NM_001407120.1); short protein forms S25F, S62F, S9F, S102F, S28F, S43F.
Identifiers: ClinVar variation 1781473 (VCV001781473.3), dbSNP rs1558174466, ClinGen allele CA343365668.